The following is an entry in ClinVar:

ClinVar aggregate classification (germline): Likely benign (1 of 4 stars; one submission).

Submission:

CeGaT Center for Human Genetics Tuebingen
Classification: Likely benign. Last evaluated: 2024-06-01. Review status: criteria provided, single submitter. Criteria: CeGaT Center For Human Genetics Tuebingen Variant Classification Criteria Version 2. Collection method: clinical testing. Allele origin: germline. Affected: yes. Observed: 1 variant allele.
Comment: GNAS: PM2:Supporting, BP4, BP7

NM_016592.5(GNAS):c.693G>A (p.Pro231=)

Genes: GNAS (GNAS complex locus; plus strand), GNAS-AS1 (GNAS antisense RNA 1; minus strand). Cytogenetic location: 20q13.32.
Variant type: single nucleotide variant.
Coding change: c.693G>A on transcript NM_016592.5 (MANE Plus Clinical); coding-DNA position 693, G replaced by A.
Protein change: p.Pro231=; no amino-acid change (proline 231 retained).
Molecular consequence: synonymous variant. On other transcripts: 5 prime UTR variant (1).
Genome position (GRCh38, 1-based): chr20:58,840,799, G>A. VCF-style: chr20-58840799-G-A. GRCh37 (hg19) VCF-style: chr20-57415854-G-A.
Other names: c.-45G>A (NM_001410912.1).
Identifiers: ClinVar variation 3250676 (VCV003250676.17), dbSNP rs2516261187.